The following is an entry in ClinVar:

NM_007194.4(CHEK2):c.44G>A (p.Ser15Asn)

Gene: CHEK2 (checkpoint kinase 2; minus strand). Cytogenetic location: 22q12.1.
Variant type: single nucleotide variant.
Coding change: c.44G>A on transcript NM_007194.4 (MANE Select); coding-DNA position 44, G replaced by A.
Protein change: p.Ser15Asn; replaces serine 15 with asparagine.
Molecular consequence: missense variant.
Genome position (GRCh38, 1-based): chr22:28,734,678, C>T on the plus strand (G>A on the coding strand, the complement: CHEK2 is on the minus strand). VCF-style: chr22-28734678-C-T. GRCh37 (hg19) VCF-style: chr22-29130666-C-T.
Other names: c.44G>A, p.Ser15Asn (NM_001005735.3, NM_001349956.3, NM_145862.3); c.-734G>A (NM_001257387.3); short protein forms S15N.
Identifiers: ClinVar variation 1741035 (VCV001741035.5), dbSNP rs2054337550, ClinGen allele CA411091913.
Genomic context (GRCh38, chr22:28,734,678, plus strand): 5'-GACTGTGAGGAGGAGCCTTGGGACTGGGTAACGCTGCCATGGGGCTGTGAACAGGCACTG[C>T]TGCCATGAGACTGCTGAGCCTCAACATCCGACTCCCGAGACATCACGACCTCAAAAAGAA-3'
Protein context (NP_009125.1, residues 5-25): SDVEAQQSHG[Ser15Asn]SACSQPHGSV

ClinVar aggregate classification (germline): Uncertain significance. Review status: criteria provided, multiple submitters, no conflicts (2 of 4 stars). 2 submissions from 2 submitters: Uncertain significance (2). Last evaluated 2025-07-31.

Conditions:
Hereditary cancer-predisposing syndrome. Also called: Hereditary Cancer Syndrome; Hereditary neoplastic syndrome; Neoplastic Syndromes, Hereditary; Tumor predisposition. Identifiers: Orphanet 140162, MedGen C0027672, MeSH D009386, MONDO:0015356.
Familial cancer of breast. Also called: Hereditary breast cancer; BREAST CANCER, FAMILIAL; hereditary breast carcinoma. Identifiers: Orphanet 227535, MedGen C0346153, MONDO:0016419, OMIM 114480. Disease mechanism: loss of function.

Submissions (2):

Labcorp Genetics (formerly Invitae), Labcorp
Classification: Uncertain significance for Familial cancer of breast. Last evaluated: 2025-07-31. Review status: criteria provided, single submitter. Criteria: Invitae Variant Classification Sherloc (09022015). Collection method: clinical testing. Allele origin: germline.
Comment: This sequence change replaces serine, which is neutral and polar, with asparagine, which is neutral and polar, at codon 15 of the CHEK2 protein (p.Ser15Asn). This variant is not present in population databases (gnomAD no frequency). This variant has not been reported in the literature in individuals affected with CHEK2-related conditions. ClinVar contains an entry for this variant (Variation ID: 1741035). An algorithm developed to predict the effect of missense changes on protein structure and function (PolyPhen-2) suggests that this variant is likely to be tolerated. In summary, the available evidence is currently insufficient to determine the role of this variant in disease. Therefore, it has been classified as a Variant of Uncertain Significance.

Ambry Genetics
Classification: Uncertain significance for Hereditary cancer-predisposing syndrome. Last evaluated: 2020-09-29. Review status: criteria provided, single submitter. Criteria: Ambry Variant Classification Scheme 2023. Collection method: clinical testing. Allele origin: germline.
Comment: The p.S15N variant (also known as c.44G>A), located in coding exon 1 of the CHEK2 gene, results from a G to A substitution at nucleotide position 44. The serine at codon 15 is replaced by asparagine, an amino acid with highly similar properties. This amino acid position is well conserved in available vertebrate species. In addition, the in silico prediction for this alteration is inconclusive. Since supporting evidence is limited at this time, the clinical significance of this alteration remains unclear.